The following is an entry in ClinVar:

NM_181552.4(CUX1):c.2241C>T (p.Ser747=)

Gene: CUX1 (cut like homeobox 1; plus strand). Cytogenetic location: 7q22.1.
Variant type: single nucleotide variant.
Coding change: c.2241C>T on transcript NM_181552.4 (MANE Select); coding-DNA position 2241, C replaced by T.
Protein change: p.Ser747=; no amino-acid change (serine 747 retained).
Molecular consequence: synonymous variant. On other transcripts: intron variant (5).
Genome position (GRCh38, 1-based): chr7:102,201,538, C>T. VCF-style: chr7-102201538-C-T. GRCh37 (hg19) VCF-style: chr7-101844818-C-T.
Other names: c.2274C>T, p.Ser758= (NM_001202543.2); c.1255+5935C>T (NM_001913.5); c.1249+5935C>T (NM_181500.4); c.1117+5935C>T (NM_001202545.3); c.1207+5935C>T (NM_001202544.3); c.1138+5935C>T (NM_001202546.3).
Identifiers: ClinVar variation 4534753 (VCV004534753.6).
Genomic context (GRCh38, chr7:102,201,538, plus strand): 5'-CTTAAAGCAGGCACCACTGTCCCAGAGTGACATCACCATCCTCACCCCCAAGCTTCTGTC[C>T]ACCTCGCCCATGCCCACCGTGTCCAGCTACCCACCTCTCGCCATCTCCCTGAAGAAGCCC-3'
Protein context (NP_853530.2, residues 737-757): DITILTPKLL[Ser747=]TSPMPTVSSY

ClinVar aggregate classification (germline): Likely benign (1 of 4 stars; one submission).

gnomAD v4.1: 19 of 1,614,148 alleles (0.0012%); highest among the groups gnomAD compares: Admixed American, 0.03%; no homozygotes.

Submission:

CeGaT Center for Human Genetics Tuebingen
Classification: Likely benign. Last evaluated: 2025-09-01. Review status: criteria provided, single submitter. Criteria: CeGaT Center For Human Genetics Tuebingen Variant Classification Criteria Version 2. Collection method: clinical testing. Allele origin: germline. Affected: yes. Observed: 1 variant allele.
Comment: CUX1: BP4, BP7